The following is an entry in ClinVar:

NM_016239.4(MYO15A):c.2485G>A (p.Ala829Thr)

Gene: MYO15A (myosin XVA; plus strand). Cytogenetic location: 17p11.2.
Variant type: single nucleotide variant.
Coding change: c.2485G>A on transcript NM_016239.4 (MANE Select); coding-DNA position 2485, G replaced by A.
Protein change: p.Ala829Thr; replaces alanine 829 with threonine.
Molecular consequence: missense variant.
Genome position (GRCh38, 1-based): chr17:18,121,285, G>A. VCF-style: chr17-18121285-G-A. GRCh37 (hg19) VCF-style: chr17-18024599-G-A.
Other names: short protein forms A829T.
Identifiers: ClinVar variation 4077243 (VCV004077243.1).

ClinVar aggregate classification (germline): Uncertain significance (1 of 4 stars; one submission).

Submission:

GeneDx
Classification: Uncertain significance. Last evaluated: 2025-02-27. Review status: criteria provided, single submitter. Criteria: GeneDx Variant Classification Process June 2021. Collection method: clinical testing. Allele origin: germline. Affected: yes.
Comment: Not observed at significant frequency in large population cohorts (gnomAD); In silico analysis indicates that this missense variant does not alter protein structure/function; Has not been previously published as pathogenic or benign to our knowledge